The following is an entry in ClinVar:

ClinVar aggregate classification (germline): Uncertain significance (1 of 4 stars; one submission).

Conditions:
Cardiovascular phenotype. Identifiers: MedGen CN230736.

Submission:

Ambry Genetics
Classification: Uncertain significance for Cardiovascular phenotype. Last evaluated: 2025-11-16. Review status: criteria provided, single submitter. Criteria: Ambry Variant Classification Scheme 2023. Collection method: clinical testing. Allele origin: germline.
Comment: The p.D1489E variant (also known as c.4467T>G), located in coding exon 2 of the ZNF469 gene, results from a T to G substitution at nucleotide position 4467. The aspartic acid at codon 1489 is replaced by glutamic acid, an amino acid with highly similar properties. This amino acid position is conserved. In addition, this alteration is predicted to be tolerated by in silico analysis. Based on the available evidence, the clinical significance of this variant remains unclear.

NM_001127464.1:c.4467T>G

Gene: ZNF469 (zinc finger protein 469; plus strand).
Variant type: single nucleotide variant.
Identifiers: ClinVar variation 4615510 (VCV004615510.1).